The following is an entry in ClinVar:

ClinVar aggregate classification (germline): Uncertain significance. Review status: criteria provided, multiple submitters, no conflicts (2 of 4 stars). 2 submissions from 2 submitters: Uncertain significance (2). Last evaluated 2024-02-12.

Conditions:
Hereditary cancer-predisposing syndrome. Also called: Tumor predisposition; Hereditary Cancer Syndrome; Hereditary neoplastic syndrome; Neoplastic Syndromes, Hereditary. Identifiers: Orphanet 140162, MedGen C0027672, MeSH D009386, MONDO:0015356.

Submissions (2):

Ambry Genetics
Classification: Uncertain significance for Hereditary cancer-predisposing syndrome. Last evaluated: 2024-02-12. Review status: criteria provided, single submitter. Criteria: Ambry Variant Classification Scheme 2023. Collection method: clinical testing. Allele origin: germline.
Comment: The p.P497S variant (also known as c.1489C>T), located in coding exon 6 of the BARD1 gene, results from a C to T substitution at nucleotide position 1489. The proline at codon 497 is replaced by serine, an amino acid with similar properties. This amino acid position is conserved. In addition, this alteration is predicted to be deleterious by in silico analysis. Based on the available evidence, the clinical significance of this alteration remains unclear.

Blueprint Genetics
Classification: Uncertain significance. Last evaluated: 2022-11-15. Review status: criteria provided, single submitter. Criteria: ACMG Guidelines, 2015. Collection method: clinical testing. Allele origin: germline.

NM_000465.4(BARD1):c.1489C>T (p.Pro497Ser)

Gene: BARD1 (BRCA1 associated RING domain 1; minus strand). Cytogenetic location: 2q35.
Variant type: single nucleotide variant.
Coding change: c.1489C>T on transcript NM_000465.4 (MANE Select); coding-DNA position 1489, C replaced by T.
Protein change: p.Pro497Ser; replaces proline 497 with serine.
Molecular consequence: missense variant. On other transcripts: non-coding transcript variant (3), intron variant (3).
Genome position (GRCh38, 1-based): chr2:214,767,561, G>A on the plus strand (C>T on the coding strand, the complement: BARD1 is on the minus strand). VCF-style: chr2-214767561-G-A. GRCh37 (hg19) VCF-style: chr2-215632285-G-A.
Other names: c.1432C>T, p.Pro478Ser (NM_001282543.2); c.159-15006C>T (NM_001282548.2); c.216-15006C>T (NM_001282545.2); c.364+24736C>T (NM_001282549.2); short protein forms P478S, P497S.
Identifiers: ClinVar variation 3231770 (VCV003231770.2), dbSNP rs2469443479, ClinGen allele CA350448395.